The following is an entry in ClinVar:

NM_024312.5(GNPTAB):c.1383C>A (p.Cys461Ter)

Gene: GNPTAB (N-acetylglucosamine-1-phosphate transferase subunits alpha and beta; minus strand). Cytogenetic location: 12q23.2.
Variant type: single nucleotide variant.
Coding change: c.1383C>A on transcript NM_024312.5 (MANE Select); coding-DNA position 1383, C replaced by A.
Protein change: p.Cys461Ter; replaces cysteine 461 with a stop codon.
Molecular consequence: nonsense.
Genome position (GRCh38, 1-based): chr12:101,768,062, G>T on the plus strand (C>A on the coding strand, the complement: GNPTAB is on the minus strand). VCF-style: chr12-101768062-G-T. GRCh37 (hg19) VCF-style: chr12-102161840-G-T.
Other names: short protein forms C461*.
Identifiers: ClinVar variation 3382162 (VCV003382162.3).

ClinVar aggregate classification (germline): Pathogenic/Likely pathogenic. Review status: criteria provided, multiple submitters, no conflicts (2 of 4 stars). 2 submissions from 2 submitters: Pathogenic (1); Likely pathogenic (1). Last evaluated 2025-03-12.

Conditions:
GNPTAB-mucolipidosis. Also called: UDP-N-acetylglucosamine-1-phosphotransferase subunit alpha/beta deficiency. Identifiers: MedGen CN322573, MONDO:0100122.
Mucolipidosis type II. Also called: ML II ALPHA/BETA; Mucolipidosis 2; ML 2; Inclusion cell disease; Leroy Disease; N-acetylglucosamine 1phosphotransferase deficiency. Identifiers: Orphanet 576, MedGen C2673377, MONDO:0009650, OMIM 252500.
Pseudo-Hurler polydystrophy. Also called: ML III; ML III ALPHA/BETA; Type III Mucolipidosis; ML IIIA; Mucolipidosis III Alpha/Beta; MUCOLIPIDOSIS IIIA. Identifiers: Orphanet 423461, Orphanet 577, MedGen C0033788, MONDO:0018931, OMIM 252600.

gnomAD v4.1: 1 of 1,613,984 alleles (0.000062%); highest among the groups gnomAD compares: Non-Finnish European, 0.000085%; no homozygotes.

Submissions (2):

Myriad Genetics, Inc.
Classification: Pathogenic for GNPTAB-mucolipidosis. Last evaluated: 2025-03-12. Review status: criteria provided, single submitter. Criteria: Myriad Autosomal Dominant, Autosomal Recessive and X-Linked Classification Criteria (2023). Collection method: clinical testing. Allele origin: unknown.
Comment: NM_024312.4(GNPTAB):c.1383C>A(C461*) is expected to be pathogenic in the context of GNPTAB-related disorders. This variant is predicted to lead to an abnormal or absent protein product due to the creation of a premature termination codon in GNPTAB, a gene where loss-of-function variants are known to be pathogenic. Please note: this variant was assessed in the context of healthy population screening.

Juno Genomics, Hangzhou Juno Genomics, Inc
Classification: Likely pathogenic for Mucolipidosis type II; Pseudo-Hurler polydystrophy. Review status: criteria provided, single submitter. Criteria: ACMG Guidelines, 2015. Collection method: clinical testing. Allele origin: germline. Affected: yes.
Comment: Null variant in a gene where loss of function (LOF) is a known mechanism of disease.;Absent from controls (or at extremely low frequency if recessive) in Genome Aggregation Database, Exome Sequencing Project, 1000 Genomes Project, or Exome Aggregation Consortium.